The following is an entry in ClinVar:

NM_001099274.3(TINF2):c.906G>C (p.Lys302Asn)

Gene: TINF2 (TERF1 interacting nuclear factor 2; minus strand). Cytogenetic location: 14q12.
Variant type: single nucleotide variant.
Coding change: c.906G>C on transcript NM_001099274.3 (MANE Select); coding-DNA position 906, G replaced by C.
Protein change: p.Lys302Asn; replaces lysine 302 with asparagine.
Molecular consequence: missense variant.
Genome position (GRCh38, 1-based): chr14:24,240,574, C>G on the plus strand (G>C on the coding strand, the complement: TINF2 is on the minus strand). VCF-style: chr14-24240574-C-G. GRCh37 (hg19) VCF-style: chr14-24709780-C-G.
Other names: c.801G>C, p.Lys267Asn (NM_001363668.2); c.906G>C, p.Lys302Asn (NM_012461.3); short protein forms K267N, K302N.
Identifiers: ClinVar variation 1713990 (VCV001713990.5), dbSNP rs2502455326, ClinGen allele CA389224895.

ClinVar aggregate classification (germline): Uncertain significance (1 of 4 stars; one submission).

Conditions:
Dyskeratosis congenita. Identifiers: Orphanet 1775, MedGen C0265965, MONDO:0015780.

Allele frequency attached by ClinVar (database versions not stated): gnomAD exomes below 0.00001.
gnomAD v4.1: 1 of 1,614,148 alleles (0.000062%); highest among the groups gnomAD compares: Non-Finnish European, 0.000085%; no homozygotes.

Submission:

Labcorp Genetics (formerly Invitae), Labcorp
Classification: Uncertain significance for Dyskeratosis congenita. Last evaluated: 2022-07-27. Review status: criteria provided, single submitter. Criteria: Invitae Variant Classification Sherloc (09022015). Collection method: clinical testing. Allele origin: germline.
Comment: Algorithms developed to predict the effect of missense changes on protein structure and function output the following: SIFT: "Tolerated"; PolyPhen-2: "Possibly Damaging"; Align-GVGD: "Class C0". The asparagine amino acid residue is found in multiple mammalian species, which suggests that this missense change does not adversely affect protein function. In summary, the available evidence is currently insufficient to determine the role of this variant in disease. Therefore, it has been classified as a Variant of Uncertain Significance. This variant has not been reported in the literature in individuals affected with TINF2-related conditions. This variant is not present in population databases (gnomAD no frequency). This sequence change replaces lysine, which is basic and polar, with asparagine, which is neutral and polar, at codon 302 of the TINF2 protein (p.Lys302Asn).